The following is an entry in ClinVar:

NM_000465.4(BARD1):c.1903+2T>A

Gene: BARD1 (BRCA1 associated RING domain 1; minus strand). Cytogenetic location: 2q35.
Variant type: single nucleotide variant.
Coding change: c.1903+2T>A on transcript NM_000465.4 (MANE Select); the canonical splice donor site of the intron after coding-DNA position 1903, T replaced by A.
Molecular consequence: splice donor variant. On other transcripts: intron variant (1).
Genome position (GRCh38, 1-based): chr2:214,745,065, A>T on the plus strand (T>A on the coding strand, the complement: BARD1 is on the minus strand). VCF-style: chr2-214745065-A-T. GRCh37 (hg19) VCF-style: chr2-215609789-A-T.
Other names: c.493+2T>A (NM_001282548.2); c.1846+2T>A (NM_001282543.2); c.550+2T>A (NM_001282545.2); c.365-14557T>A (NM_001282549.2).
Identifiers: ClinVar variation 820311 (VCV000820311.4), dbSNP rs1574737047, ClinGen allele CA350452040.
Genomic context (GRCh38, chr2:214,745,065, plus strand): 5'-ATAACCATGAAAAACAAAACTAGTCTAATTCATTTCTTAATTCTCTCAAATCCAACACTT[A>T]CATTCAAATTTTAGAATCCAGCATCCATTGAGAATCCCAAGCATACACTTCAAGGTACTT-3'

ClinVar aggregate classification (germline): Likely pathogenic (1 of 4 stars; one submission).

Conditions:
Hereditary cancer-predisposing syndrome. Also called: Neoplastic Syndromes, Hereditary; Tumor predisposition; Hereditary Cancer Syndrome; Hereditary neoplastic syndrome. Identifiers: Orphanet 140162, MedGen C0027672, MeSH D009386, MONDO:0015356.

Submission:

Ambry Genetics
Classification: Likely pathogenic for Hereditary cancer-predisposing syndrome. Last evaluated: 2019-07-23. Review status: criteria provided, single submitter. Criteria: Ambry Variant Classification Scheme 2023. Collection method: clinical testing. Allele origin: germline.
Comment: The c.1903+2T>A intronic variant results from a T to A substitution two nucleotides after coding exon 9 in the BARD1 gene. This nucleotide position is highly conserved in available vertebrate species. Using the BDGP and ESEfinder splice site prediction tools, this alteration is predicted to abolish the native splice donor site; however, direct evidence is unavailable. Alterations that disrupt the canonical splice site are expected to cause aberrant splicing, resulting in an abnormal protein or a transcript that is subject to nonsense-mediated mRNA decay. As such, this alteration is classified as likely pathogenic.